The following is an entry in ClinVar:

ClinVar aggregate classification (germline): Uncertain significance. Review status: criteria provided, multiple submitters, no conflicts (2 of 4 stars). 2 submissions from 2 submitters: Uncertain significance (2). Last evaluated 2024-06-13.

Conditions:
Inborn genetic diseases. Identifiers: MedGen C0950123, MeSH D030342.

Allele frequency attached by ClinVar (database versions not stated): TOPMed below 0.00001; ExAC 0.00001; gnomAD 0.00001; gnomAD exomes 0.00001; ESP Exome Variant Server 0.00008.
gnomAD v4.1: 10 of 1,608,678 alleles (0.00062%); highest among the groups gnomAD compares: South Asian, 0.0022%; no homozygotes.

Submissions (2):

Women's Health and Genetics/Laboratory Corporation of America, LabCorp
Classification: Uncertain significance. Last evaluated: 2024-06-13. Review status: criteria provided, single submitter. Criteria: LabCorp Variant Classification Summary - May 2015. Collection method: clinical testing. Allele origin: germline.
Comment: Variant summary: TAF4 c.2321G>A (p.Arg774Gln) results in a conservative amino acid change in the encoded protein sequence. Three of five in-silico tools predict a benign effect of the variant on protein function. The variant allele was found at a frequency of 1.2e-05 in 244600 control chromosomes. The available data on variant occurrences in the general population are insufficient to allow any conclusion about variant significance. To our knowledge, no occurrence of c.2321G>A in individuals affected with Intellectual Developmental Disorder, Autosomal Dominant 73 and no experimental evidence demonstrating its impact on protein function have been reported. ClinVar contains an entry for this variant (Variation ID: 2267449). Based on the evidence outlined above, the variant was classified as uncertain significance.

Ambry Genetics
Classification: Uncertain significance for Inborn genetic diseases. Last evaluated: 2021-12-14. Review status: criteria provided, single submitter. Criteria: Ambry Variant Classification Scheme 2023. Collection method: clinical testing. Allele origin: germline.

NM_003185.4(TAF4):c.2321G>A (p.Arg774Gln)

Gene: TAF4 (TATA-box binding protein associated factor 4; minus strand). Cytogenetic location: 20q13.33.
Variant type: single nucleotide variant.
Coding change: c.2321G>A on transcript NM_003185.4 (MANE Select); coding-DNA position 2321, G replaced by A.
Protein change: p.Arg774Gln; replaces arginine 774 with glutamine.
Molecular consequence: missense variant.
Genome position (GRCh38, 1-based): chr20:62,003,781, C>T on the plus strand (G>A on the coding strand, the complement: TAF4 is on the minus strand). VCF-style: chr20-62003781-C-T. GRCh37 (hg19) VCF-style: chr20-60578837-C-T.
Other names: short protein forms R774Q.
Identifiers: ClinVar variation 2267449 (VCV002267449.3), dbSNP rs372933073, ClinGen allele CA9935596.